The following is an entry in ClinVar:

ClinVar aggregate classification (germline): Benign (1 of 4 stars; one submission).

Allele frequency attached by ClinVar (database versions not stated): gnomAD exomes 0.58109; gnomAD 0.63996 and 0.64050; TOPMed 0.66039; 1000 Genomes Project 30x 0.70159; 1000 Genomes Project 0.70807.
gnomAD v4.1: 862,754 of 1,467,102 alleles (59%); highest among the groups gnomAD compares: East Asian, 81%; 257,530 homozygotes.

Submission:

GeneDx
Classification: Benign. Last evaluated: 2018-06-14. Review status: criteria provided, single submitter. Criteria: GeneDx Variant Classification (06012015). Collection method: clinical testing. Allele origin: germline. Affected: yes.
Comment: This variant is considered likely benign or benign based on one or more of the following criteria: it is a conservative change, it occurs at a poorly conserved position in the protein, it is predicted to be benign by multiple in silico algorithms, and/or has population frequency not consistent with disease.

NM_032119.4(ADGRV1):c.8567-60G>T

Gene: ADGRV1 (adhesion G protein-coupled receptor V1; plus strand). Cytogenetic location: 5q14.3.
Variant type: single nucleotide variant.
Coding change: c.8567-60G>T on transcript NM_032119.4 (MANE Select); 60 bases into the intron before coding-DNA position 8567, G replaced by T.
Molecular consequence: intron variant.
Genome position (GRCh38, 1-based): chr5:90,706,171, G>T. VCF-style: chr5-90706171-G-T. GRCh37 (hg19) VCF-style: chr5-90001988-G-T.
Identifiers: ClinVar variation 674378 (VCV000674378.1), dbSNP rs1160121, ClinGen allele CA12157307.
Genomic context (GRCh38, chr5:90,706,171, plus strand): 5'-AATTGGGACCAATAATACTAGCTACTAAAGGTGCTTTTAGGAAAGGCAAAAAATTCACAA[G>T]GGGATATTATTGTAAACATTTAGATAATTATAAAACATTTTTGCAACCTATTCAATTAGG-3'